The following is an entry in ClinVar:

NM_133497.4(KCNV2):c.598C>T (p.Arg200Cys)

Gene: KCNV2 (potassium voltage-gated channel modifier subfamily V member 2; plus strand). Cytogenetic location: 9p24.2.
Variant type: single nucleotide variant.
Coding change: c.598C>T on transcript NM_133497.4 (MANE Select); coding-DNA position 598, C replaced by T.
Protein change: p.Arg200Cys; replaces arginine 200 with cysteine.
Molecular consequence: missense variant.
Genome position (GRCh38, 1-based): chr9:2,718,337, C>T. VCF-style: chr9-2718337-C-T. GRCh37 (hg19) VCF-style: chr9-2718337-C-T.
Other names: short protein forms R200C.
Identifiers: ClinVar variation 1367140 (VCV001367140.8), dbSNP rs1040408269, ClinGen allele CA187972171.

ClinVar aggregate classification (germline): Uncertain significance (1 of 4 stars; one submission).

Allele frequency attached by ClinVar (database versions not stated): gnomAD 0.00001; TOPMed 0.00002.

Submission:

Labcorp Genetics (formerly Invitae), Labcorp
Classification: Uncertain significance. Last evaluated: 2022-11-01. Review status: criteria provided, single submitter. Criteria: Invitae Variant Classification Sherloc (09022015). Collection method: clinical testing. Allele origin: germline.
Comment: This sequence change replaces arginine, which is basic and polar, with cysteine, which is neutral and slightly polar, at codon 200 of the KCNV2 protein (p.Arg200Cys). This variant is not present in population databases (gnomAD no frequency). This variant has not been reported in the literature in individuals affected with KCNV2-related conditions. ClinVar contains an entry for this variant (Variation ID: 1367140). Advanced modeling of protein sequence and biophysical properties (such as structural, functional, and spatial information, amino acid conservation, physicochemical variation, residue mobility, and thermodynamic stability) performed at Invitae indicates that this missense variant is not expected to disrupt KCNV2 protein function. In summary, the available evidence is currently insufficient to determine the role of this variant in disease. Therefore, it has been classified as a Variant of Uncertain Significance.